The following is an entry in ClinVar:

NM_001267550.2(TTN):c.18600C>T (p.Thr6200=)

Genes: TTN (titin; minus strand), LOC126806430 (BRD4-independent group 4 enhancer GRCh37_chr2:179593794-179594993; plus strand). Cytogenetic location: 2q31.2.
Variant type: single nucleotide variant.
Coding change: c.18600C>T on transcript NM_001267550.2 (MANE Select); coding-DNA position 18600, C replaced by T.
Protein change: p.Thr6200=; no amino-acid change (threonine 6200 retained).
Molecular consequence: synonymous variant. On other transcripts: intron variant (3).
Genome position (GRCh38, 1-based): chr2:178,729,556, G>A on the plus strand (C>T on the coding strand, the complement: TTN is on the minus strand). VCF-style: chr2-178729556-G-A. GRCh37 (hg19) VCF-style: chr2-179594283-G-A.
Other names: c.17649C>T, p.Thr5883= (NM_001256850.1); c.14868C>T, p.Thr4956= (NM_133378.4); c.13282+8526C>T (NM_003319.4); c.13858+8526C>T (NM_133437.4); c.13657+8526C>T (NM_133432.3).
Identifiers: ClinVar variation 4887381 (VCV004887381.1).

ClinVar aggregate classification (germline): Likely benign (1 of 4 stars; one submission).

Submission:

Women's Health and Genetics/Laboratory Corporation of America, LabCorp
Classification: Likely benign. Last evaluated: 2026-06-10. Review status: criteria provided, single submitter. Criteria: LabCorp Variant Classification Summary - May 2015. Collection method: clinical testing. Allele origin: germline.
Comment: Variant summary: TTN c.14868C>T alters a conserved nucleotide resulting in a synonymous change. Consensus agreement among computation tools predict no significant impact on normal splicing. However, these predictions have yet to be confirmed by functional studies. The variant was absent in 247578 control chromosomes. The available data on variant occurrences in the general population are insufficient to allow any conclusion about variant significance. To our knowledge, no occurrence of c.14868C>T in individuals affected with TTN-related conditions and no experimental evidence demonstrating its impact on protein function have been reported. No submitters have cited clinical-significance assessments for this variant to ClinVar. Based on the evidence outlined above, the variant was classified as likely benign.